The following is an entry in ClinVar:

ClinVar aggregate classification (germline): Uncertain significance (1 of 4 stars; one submission).

Conditions:
Hereditary cancer-predisposing syndrome. Also called: Tumor predisposition; Neoplastic Syndromes, Hereditary; Hereditary Cancer Syndrome; Hereditary neoplastic syndrome. Identifiers: Orphanet 140162, MedGen C0027672, MeSH D009386, MONDO:0015356.

Submission:

Ambry Genetics
Classification: Uncertain significance for Hereditary cancer-predisposing syndrome. Last evaluated: 2024-12-21. Review status: criteria provided, single submitter. Criteria: Ambry Variant Classification Scheme 2023. Collection method: clinical testing. Allele origin: germline.
Comment: The p.G1005D variant (also known as c.3014G>A), located in coding exon 21 of the PDGFRA gene, results from a G to A substitution at nucleotide position 3014. The glycine at codon 1005 is replaced by aspartic acid, an amino acid with similar properties. This amino acid position is conserved. In addition, this alteration is predicted to be tolerated by in silico analysis. Based on the available evidence, the clinical significance of this variant remains unclear.

NM_006206.6(PDGFRA):c.3014G>A (p.Gly1005Asp)

Gene: PDGFRA (platelet derived growth factor receptor alpha; plus strand). Cytogenetic location: 4q12.
Variant type: single nucleotide variant.
Coding change: c.3014G>A on transcript NM_006206.6 (MANE Select); coding-DNA position 3014, G replaced by A.
Protein change: p.Gly1005Asp; replaces glycine 1005 with aspartic acid.
Molecular consequence: missense variant.
Genome position (GRCh38, 1-based): chr4:54,290,446, G>A. VCF-style: chr4-54290446-G-A. GRCh37 (hg19) VCF-style: chr4-55156613-G-A.
Other names: c.3089G>A, p.Gly1030Asp (NM_001347828.2); c.3014G>A, p.Gly1005Asp (NM_001347829.2); c.3053G>A, p.Gly1018Asp (NM_001347830.2); short protein forms G1005D, G1030D, G1018D.
Identifiers: ClinVar variation 3887345 (VCV003887345.1).